The following is an entry in ClinVar:

ClinVar aggregate classification (germline): Uncertain significance. Review status: criteria provided, multiple submitters, no conflicts (2 of 4 stars). 2 submissions from 2 submitters: Uncertain significance (2). Last evaluated 2025-04-17.

Allele frequency attached by ClinVar (database versions not stated): gnomAD exomes below 0.00001; TOPMed below 0.00001; gnomAD 0.00001.
gnomAD v4.1: 2 of 1,613,988 alleles (0.00012%); highest among the groups gnomAD compares: African/African-American, 0.0027%; no homozygotes.

Submissions (2):

GeneDx
Classification: Uncertain significance. Last evaluated: 2025-04-17. Review status: criteria provided, single submitter. Criteria: GeneDx Variant Classification Process June 2021. Collection method: clinical testing. Allele origin: germline. Affected: yes.
Comment: Not observed at significant frequency in large population cohorts (gnomAD); In silico analysis indicates that this missense variant does not alter protein structure/function; Has not been previously published as pathogenic or benign to our knowledge

Labcorp Genetics (formerly Invitae), Labcorp
Classification: Uncertain significance. Last evaluated: 2021-08-17. Review status: criteria provided, single submitter. Criteria: Invitae Variant Classification Sherloc (09022015). Collection method: clinical testing. Allele origin: germline.
Comment: This sequence change replaces glutamine with glutamic acid at codon 74 of the PRPF31 protein (p.Gln74Glu). The glutamine residue is highly conserved and there is a small physicochemical difference between glutamine and glutamic acid. This variant is not present in population databases (ExAC no frequency). In summary, the available evidence is currently insufficient to determine the role of this variant in disease. Therefore, it has been classified as a Variant of Uncertain Significance. Algorithms developed to predict the effect of missense changes on protein structure and function (SIFT, PolyPhen-2, Align-GVGD) all suggest that this variant is likely to be tolerated, but these predictions have not been confirmed by published functional studies and their clinical significance is uncertain. This variant has not been reported in the literature in individuals with PRPF31-related conditions.

NM_015629.4(PRPF31):c.220C>G (p.Gln74Glu)

Gene: PRPF31 (pre-mRNA processing factor 31; plus strand). Cytogenetic location: 19q13.42.
Variant type: single nucleotide variant.
Coding change: c.220C>G on transcript NM_015629.4 (MANE Select); coding-DNA position 220, C replaced by G.
Protein change: p.Gln74Glu; replaces glutamine 74 with glutamic acid.
Molecular consequence: missense variant.
Genome position (GRCh38, 1-based): chr19:54,118,615, C>G. VCF-style: chr19-54118615-C-G. GRCh37 (hg19) VCF-style: chr19-54621995-C-G.
Other names: c.220C>G (NM_015629.3); short protein forms Q74E.
Identifiers: ClinVar variation 1405059 (VCV001405059.9), dbSNP rs1389305246, ClinGen allele CA407790663.